The following is an entry in ClinVar:

NM_021930.6(RINT1):c.1034G>A (p.Gly345Glu)

Gene: RINT1 (RAD50 interactor 1; plus strand). Cytogenetic location: 7q22.3.
Variant type: single nucleotide variant.
Coding change: c.1034G>A on transcript NM_021930.6 (MANE Select); coding-DNA position 1034, G replaced by A.
Protein change: p.Gly345Glu; replaces glycine 345 with glutamic acid.
Molecular consequence: missense variant. On other transcripts: non-coding transcript variant (1).
Genome position (GRCh38, 1-based): chr7:105,550,092, G>A. VCF-style: chr7-105550092-G-A. GRCh37 (hg19) VCF-style: chr7-105190539-G-A.
Other names: c.800G>A, p.Gly267Glu (NM_001346599.2); c.11G>A, p.Gly4Glu (NM_001346600.2, NM_001346603.2); c.110G>A, p.Gly37Glu (NM_001346601.2); short protein forms G267E, G345E, G37E, G4E.
Identifiers: ClinVar variation 4578206 (VCV004578206.1).

ClinVar aggregate classification (germline): Uncertain significance (1 of 4 stars; one submission).

Submission:

Ambry Genetics
Classification: Uncertain significance. Last evaluated: 2025-10-01. Review status: criteria provided, single submitter. Criteria: Ambry Variant Classification Scheme 2023. Collection method: clinical testing. Allele origin: germline.
Comment: The p.G345E variant (also known as c.1034G>A), located in coding exon 8 of the RINT1 gene, results from a G to A substitution at nucleotide position 1034. The glycine at codon 345 is replaced by glutamic acid, an amino acid with similar properties. This amino acid position is conserved. In addition, this alteration is predicted to be tolerated by in silico analysis. Based on the available evidence, the clinical significance of this variant remains unclear.